The following is an entry in ClinVar:

NM_000080.4(CHRNE):c.802G>C (p.Ala268Pro)

Genes: C17orf107 (chromosome 17 open reading frame 107; plus strand), CHRNE (cholinergic receptor nicotinic epsilon subunit; minus strand). Cytogenetic location: 17p13.2.
Variant type: single nucleotide variant.
Coding change: c.802G>C on transcript NM_000080.4 (MANE Select); coding-DNA position 802, G replaced by C.
Protein change: p.Ala268Pro; replaces alanine 268 with proline.
Molecular consequence: missense variant. On other transcripts: 3 prime UTR variant (1).
Genome position (GRCh38, 1-based): chr17:4,900,990, C>G on the plus strand (G>C on the coding strand, the complement: CHRNE is on the minus strand). VCF-style: chr17-4900990-C-G. GRCh37 (hg19) VCF-style: chr17-4804285-C-G.
Other names: c.*457C>G (NM_001145536.2); short protein forms A268P.
Identifiers: ClinVar variation 1965197 (VCV001965197.5), dbSNP rs772145808, ClinGen allele CA397304698.

ClinVar aggregate classification (germline): Uncertain significance (1 of 4 stars; one submission).

Conditions:
Congenital myasthenic syndrome 4A. Also called: Myasthenic syndrome, congenital, 4a, slow-channel; MYASTHENIC SYNDROME, CONGENITAL, 4A, SLOW-CHANNEL, AUTOSOMAL RECESSIVE; CONGENITAL MYASTHENIC SYNDROME TYPE Ia1. Identifiers: Orphanet 590, MedGen C4225413, MONDO:0011600, OMIM 605809.

Submission:

Labcorp Genetics (formerly Invitae), Labcorp
Classification: Uncertain significance for Congenital myasthenic syndrome 4A. Last evaluated: 2022-07-15. Review status: criteria provided, single submitter. Criteria: Invitae Variant Classification Sherloc (09022015). Collection method: clinical testing. Allele origin: germline.
Comment: This sequence change replaces alanine, which is neutral and non-polar, with proline, which is neutral and non-polar, at codon 268 of the CHRNE protein (p.Ala268Pro). This variant also falls at the last nucleotide of exon 7, which is part of the consensus splice site for this exon. This variant is not present in population databases (gnomAD no frequency). This variant has not been reported in the literature in individuals affected with CHRNE-related conditions. Algorithms developed to predict the effect of missense changes on protein structure and function are either unavailable or do not agree on the potential impact of this missense change (SIFT: "Tolerated"; PolyPhen-2: "Probably Damaging"; Align-GVGD: "Class C0"). Variants that disrupt the consensus splice site are a relatively common cause of aberrant splicing (PMID: 17576681, 9536098). In summary, the available evidence is currently insufficient to determine the role of this variant in disease. Therefore, it has been classified as a Variant of Uncertain Significance.

Literature cited by the submitters: PubMed 17576681; PubMed 9536098.